The following is an entry in ClinVar:

NM_025136.4(OPA3):c.131C>T (p.Pro44Leu)

Genes: OPA3 (outer mitochondrial membrane lipid metabolism regulator OPA3; minus strand), OPA3-RTN2 (OPA3-RTN2 readthrough; minus strand). Cytogenetic location: 19q13.32.
Variant type: single nucleotide variant.
Coding change: c.131C>T on transcript NM_025136.4 (MANE Select); coding-DNA position 131, C replaced by T.
Protein change: p.Pro44Leu; replaces proline 44 with leucine.
Molecular consequence: missense variant.
Genome position (GRCh38, 1-based): chr19:45,584,634, G>A on the plus strand (C>T on the coding strand, the complement: OPA3 is on the minus strand). VCF-style: chr19-45584634-G-A. GRCh37 (hg19) VCF-style: chr19-46087892-G-A.
Other names: c.131C>T, p.Pro44Leu (NM_001017989.3); short protein forms P44L.
Identifiers: ClinVar variation 1392866 (VCV001392866.6), dbSNP rs2122529178, ClinGen allele CA406378148.
Genomic context (GRCh38, chr19:45,584,634, plus strand): 5'-AGGGGTTGGAGAAAGGAAAAAGGTTGGAGGGAATTCGGGTCAGACTCACGTTGAGCCGGC[G>A]GGAGGCAGATATAGGTCTTGAAGAACTCGCTTCGGCGGGCGGCCTCCTTAATACGGTTGG-3'
Protein context (NP_079412.1, residues 34-54): SEFFKTYICL[Pro44Leu]PAQLYHWVEM

ClinVar aggregate classification (germline): Uncertain significance (1 of 4 stars; one submission).

Conditions:
Optic atrophy 3 (OPA3). Also called: Optic atrophy 3 with cataract; OPTIC ATROPHY 3, AUTOSOMAL DOMINANT; Optic atrophy, cataract, and neurologic disorder. Identifiers: Orphanet 67036, MedGen C1833809, MONDO:0008133, OMIM 165300.
3-Methylglutaconic aciduria type 3 (MGCA3). Also called: OPA3-Related 3-Methylglutaconic Aciduria; Costeff Syndrome; OPA3, AUTOSOMAL RECESSIVE; OPTIC ATROPHY 3, AUTOSOMAL RECESSIVE. Identifiers: Orphanet 67047, MedGen C0574084, MONDO:0009787, OMIM 258501.

Allele frequency attached by ClinVar (database versions not stated): gnomAD exomes below 0.00001.
gnomAD v4.1: 4 of 1,614,202 alleles (0.00025%); highest among the groups gnomAD compares: Non-Finnish European, 0.00034%; no homozygotes.

Submission:

Labcorp Genetics (formerly Invitae), Labcorp
Classification: Uncertain significance for 3-Methylglutaconic aciduria type 3; Optic atrophy 3. Last evaluated: 2023-11-27. Review status: criteria provided, single submitter. Criteria: Invitae Variant Classification Sherloc (09022015). Collection method: clinical testing. Allele origin: germline.
Comment: This sequence change replaces proline, which is neutral and non-polar, with leucine, which is neutral and non-polar, at codon 44 of the OPA3 protein (p.Pro44Leu). This variant is not present in population databases (gnomAD no frequency). This variant has not been reported in the literature in individuals affected with OPA3-related conditions. ClinVar contains an entry for this variant (Variation ID: 1392866). An algorithm developed to predict the effect of missense changes on protein structure and function (PolyPhen-2) suggests that this variant is likely to be disruptive. In summary, the available evidence is currently insufficient to determine the role of this variant in disease. Therefore, it has been classified as a Variant of Uncertain Significance.